The following is an entry in ClinVar:

ClinVar aggregate classification (germline): Likely benign. Review status: criteria provided, multiple submitters, no conflicts (2 of 4 stars). 6 submissions from 5 submitters: Likely benign (5). 1 of the submissions does not count toward it. Last evaluated 2026-01-27.

Conditions:
ATR-related disorder. Also called: ATR-related condition.
Inborn genetic diseases. Identifiers: MedGen C0950123, MeSH D030342.
Familial cutaneous telangiectasia and oropharyngeal predisposition cancer syndrome. Identifiers: Orphanet 313846, MedGen C3281203, MONDO:0013806, OMIM 614564.
Seckel syndrome 1 (SCKL1). Also called: MICROCEPHALIC PRIMORDIAL DWARFISM I. Identifiers: Orphanet 808, MedGen C4551474, MONDO:0008869, OMIM 210600.

Allele frequency attached by ClinVar (database versions not stated): ExAC 0.00008; gnomAD exomes 0.00008; ESP Exome Variant Server 0.00015; gnomAD 0.00015; TOPMed 0.00021; 1000 Genomes Project 30x 0.00031; 1000 Genomes Project 0.00040.
gnomAD v4.1: 61 of 1,613,088 alleles (0.0038%); highest among the groups gnomAD compares: African/African-American, 0.051%; no homozygotes.

Submissions (6):

Labcorp Genetics (formerly Invitae), Labcorp
Classification: Likely benign. Last evaluated: 2026-01-27. Review status: criteria provided, single submitter. Criteria: Invitae Variant Classification Sherloc (09022015). Collection method: clinical testing. Allele origin: germline.

Genome-Nilou Lab
Classification: Likely benign for Seckel syndrome 1. Last evaluated: 2023-02-08. Review status: criteria provided, single submitter. Criteria: ACMG Guidelines, 2015. Collection method: clinical testing. Allele origin: germline.

Genome-Nilou Lab
Classification: Likely benign for Familial cutaneous telangiectasia and oropharyngeal predisposition cancer syndrome. Last evaluated: 2023-02-08. Review status: criteria provided, single submitter. Criteria: ACMG Guidelines, 2015. Collection method: clinical testing. Allele origin: germline.

Blueprint Genetics
Classification: Likely benign. Last evaluated: 2022-06-29. Review status: criteria provided, single submitter. Criteria: ACMG Guidelines, 2015. Collection method: clinical testing. Allele origin: germline.

Ambry Genetics
Classification: Likely benign for Inborn genetic diseases. Last evaluated: 2022-02-14. Review status: criteria provided, single submitter. Criteria: Ambry Variant Classification Scheme 2023. Collection method: clinical testing. Allele origin: germline.

PreventionGenetics, part of Exact Sciences
Classification: Likely benign for ATR-related condition. Last evaluated: 2024-08-14. Review status: no assertion criteria provided. Collection method: clinical testing. Allele origin: germline. Not counted in ClinVar's aggregate classification.
Comment: This variant is classified as likely benign based on ACMG/AMP sequence variant interpretation guidelines (Richards et al. 2015 PMID: 25741868, with internal and published modifications).

NM_001184.4(ATR):c.2088C>T (p.Val696=)

Gene: ATR (ATR checkpoint kinase; minus strand). Cytogenetic location: 3q23.
Variant type: single nucleotide variant.
Coding change: c.2088C>T on transcript NM_001184.4 (MANE Select); coding-DNA position 2088, C replaced by T.
Protein change: p.Val696=; no amino-acid change (valine 696 retained).
Molecular consequence: synonymous variant.
Genome position (GRCh38, 1-based): chr3:142,556,130, G>A on the plus strand (C>T on the coding strand, the complement: ATR is on the minus strand). VCF-style: chr3-142556130-G-A. GRCh37 (hg19) VCF-style: chr3-142274972-G-A.
Other names: c.1896C>T, p.Val632= (NM_001354579.2).
Identifiers: ClinVar variation 1134336 (VCV001134336.14), dbSNP rs202050285, ClinGen allele CA2650422.